The following is an entry in ClinVar:

NM_000179.3(MSH6):c.1537A>G (p.Ile513Val)

Gene: MSH6 (mutS homolog 6; plus strand). Cytogenetic location: 2p16.3.
Variant type: single nucleotide variant.
Coding change: c.1537A>G on transcript NM_000179.3 (MANE Select); coding-DNA position 1537, A replaced by G.
Protein change: p.Ile513Val; replaces isoleucine 513 with valine.
Molecular consequence: missense variant.
Genome position (GRCh38, 1-based): chr2:47,799,520, A>G. VCF-style: chr2-47799520-A-G. GRCh37 (hg19) VCF-style: chr2-48026659-A-G.
Other names: c.1147A>G, p.Ile383Val (NM_001281492.2); c.631A>G, p.Ile211Val (NM_001281493.2, NM_001281494.2); short protein forms I513V, I211V, I383V.
Identifiers: ClinVar variation 233637 (VCV000233637.21), dbSNP rs746897461, ClinGen allele CA067819.
Genomic context (GRCh38, chr2:47,799,520, plus strand): 5'-GAGGCACGATGTAGAAAGATGGCACATATATCCAAGTATGATAGAGTGGTGAGGAGGGAG[A>G]TCTGTAGGATCATTACCAAGGGTACACAGACTTACAGTGTGCTGGAAGGTGATCCCTCTG-3'
Protein context (NP_000170.1, residues 503-523): SKYDRVVRRE[Ile513Val]CRIITKGTQT

ClinVar aggregate classification (germline): Conflicting classifications of pathogenicity. Review status: criteria provided, conflicting classifications (1 of 4 stars). 5 submissions from 5 submitters: Uncertain significance (4); Likely benign (1). Last evaluated 2025-11-10.

Conditions:
Hereditary nonpolyposis colorectal neoplasms. Identifiers: MedGen C0009405, MeSH D003123.
Endometrial carcinoma. Also called: Endometrial carcinoma, somatic. Identifiers: MedGen C0476089, MONDO:0002447, OMIM 608089, HP:0012114.
Hereditary cancer-predisposing syndrome. Also called: Neoplastic Syndromes, Hereditary; Tumor predisposition; Hereditary Cancer Syndrome; Hereditary neoplastic syndrome. Identifiers: Orphanet 140162, MedGen C0027672, MeSH D009386, MONDO:0015356.
Lynch syndrome. Identifiers: Orphanet 144, MedGen C4552100, MONDO:0005835. Disease mechanism: loss of function.

Allele frequency attached by ClinVar (database versions not stated): TOPMed below 0.00001; ExAC 0.00001; gnomAD exomes 0.00001 and 0.00003.
gnomAD v4.1: 39 of 1,614,146 alleles (0.0024%); highest among the groups gnomAD compares: Non-Finnish European, 0.0032%; no homozygotes.

Submissions (5):

Labcorp Genetics (formerly Invitae), Labcorp
Classification: Likely benign for Hereditary nonpolyposis colorectal neoplasms. Last evaluated: 2025-11-10. Review status: criteria provided, single submitter. Criteria: Invitae Variant Classification Sherloc (09022015). Collection method: clinical testing. Allele origin: germline.

Ambry Genetics
Classification: Uncertain significance for Hereditary cancer-predisposing syndrome. Last evaluated: 2024-07-30. Review status: criteria provided, single submitter. Criteria: Ambry Variant Classification Scheme 2023. Collection method: clinical testing. Allele origin: germline.
Comment: The p.I513V variant (also known as c.1537A>G), located in coding exon 4 of the MSH6 gene, results from an A to G substitution at nucleotide position 1537. The isoleucine at codon 513 is replaced by valine, an amino acid with highly similar properties. This amino acid position is not well conserved in available vertebrate species. In addition, this alteration is predicted to be tolerated by in silico analysis. Since supporting evidence is limited at this time, the clinical significance of this alteration remains unclear.

Color Diagnostics, LLC DBA Color Health
Classification: Uncertain significance for Hereditary cancer-predisposing syndrome. Last evaluated: 2024-03-06. Review status: criteria provided, single submitter. Criteria: ACMG Guidelines, 2015. Collection method: clinical testing. Allele origin: germline.
Comment: This missense variant replaces isoleucine with valine at codon 513 of the MSH6 protein. Computational prediction suggests that this variant may not impact protein structure and function (internally defined REVEL score threshold <= 0.5, PMID: 27666373). To our knowledge, functional studies have not been reported for this variant. This variant has not been reported in individuals affected with MSH6-related disorders in the literature. This variant has been identified in 2/251276 chromosomes in the general population by the Genome Aggregation Database (gnomAD). The available evidence is insufficient to determine the role of this variant in disease conclusively. Therefore, this variant is classified as a Variant of Uncertain Significance.

Baylor Genetics
Classification: Uncertain significance for Endometrial carcinoma. Last evaluated: 2023-10-10. Review status: criteria provided, single submitter. Criteria: ACMG Guidelines, 2015. Collection method: clinical testing. Allele origin: unknown.

All of Us Research Program, National Institutes of Health
Classification: Uncertain significance for Lynch syndrome. Last evaluated: 2023-08-28. Review status: criteria provided, single submitter. Criteria: ACMG Guidelines, 2015. Collection method: clinical testing. Allele origin: germline. Inheritance: Autosomal dominant inheritance. Observed: 3 variant alleles, 3 heterozygotes.
Comment: This missense variant replaces isoleucine with valine at codon 513 of the MSH6 protein. Computational prediction suggests that this variant may not impact protein structure and function (internally defined REVEL score threshold <= 0.5, PMID: 27666373). To our knowledge, functional studies have not been reported for this variant. This variant has not been reported in individuals affected with MSH6-related disorders in the literature. This variant has been identified in 2/251276 chromosomes in the general population by the Genome Aggregation Database (gnomAD). The available evidence is insufficient to determine the role of this variant in disease conclusively. Therefore, this variant is classified as a Variant of Uncertain Significance.

This study involves interpretation of variants in research participants for the purpose of population health screening. Participant phenotype was not available at the time of variant classification. Additional details can be found in publication PMID: 35346344, PMCID: PMC8962531